The following is an entry in ClinVar:

NM_024408.4(NOTCH2):c.5310+7T>G

Gene: NOTCH2 (notch receptor 2; minus strand). Cytogenetic location: 1p12.
Variant type: single nucleotide variant.
Coding change: c.5310+7T>G on transcript NM_024408.4 (MANE Select); 7 bases into the intron after coding-DNA position 5310, T replaced by G.
Molecular consequence: intron variant.
Genome position (GRCh38, 1-based): chr1:119,921,706, A>C on the plus strand (T>G on the coding strand, the complement: NOTCH2 is on the minus strand). VCF-style: chr1-119921706-A-C. GRCh37 (hg19) VCF-style: chr1-120464329-A-C.
Other names: c.5310+7T>G (NM_024408.3).
Identifiers: ClinVar variation 2994868 (VCV002994868.4), dbSNP rs587687737, ClinGen allele CA1039678.

ClinVar aggregate classification (germline): Likely benign. Review status: criteria provided, multiple submitters, no conflicts (2 of 4 stars). 2 submissions from 2 submitters: Likely benign (2). Last evaluated 2024-10-17.

Conditions:
Hajdu-Cheney syndrome (HJCYS). Also called: SERPENTINE FIBULA-POLYCYSTIC KIDNEY SYNDROME; ACROOSTEOLYSIS WITH OSTEOPOROSIS AND CHANGES IN SKULL AND MANDIBLE; Acroosteolysis dominant type. Identifiers: Orphanet 955, MedGen C0917715, MONDO:0007057, OMIM 102500.
NOTCH2-related disorder. Also called: NOTCH2-related condition.

Allele frequency attached by ClinVar (database versions not stated): gnomAD exomes 0.00001; ExAC 0.00003; 1000 Genomes Project 30x 0.00062; 1000 Genomes Project 0.00080.
gnomAD v4.1: 16 of 1,612,638 alleles (0.00099%); highest among the groups gnomAD compares: South Asian, 0.018%; no homozygotes.

Submissions (2):

PreventionGenetics, part of Exact Sciences
Classification: Likely benign for NOTCH2-related condition. Last evaluated: 2024-10-17. Review status: criteria provided, single submitter. Criteria: ACMG Guidelines, 2015. Collection method: clinical testing. Allele origin: germline.
Comment: This variant is classified as likely benign based on ACMG/AMP sequence variant interpretation guidelines (Richards et al. 2015 PMID: 25741868, with internal and published modifications).

Labcorp Genetics (formerly Invitae), Labcorp
Classification: Likely benign for Hajdu-Cheney syndrome. Last evaluated: 2023-11-03. Review status: criteria provided, single submitter. Criteria: Invitae Variant Classification Sherloc (09022015). Collection method: clinical testing. Allele origin: germline.